The following is an entry in ClinVar:

NM_000217.3(KCNA1):c.1132A>G (p.Met378Val)

Gene: KCNA1 (potassium voltage-gated channel subfamily A member 1; plus strand). Cytogenetic location: 12p13.32.
Variant type: single nucleotide variant.
Coding change: c.1132A>G on transcript NM_000217.3 (MANE Select); coding-DNA position 1132, A replaced by G.
Protein change: p.Met378Val; replaces methionine 378 with valine.
Molecular consequence: missense variant.
Genome position (GRCh38, 1-based): chr12:4,912,510, A>G. VCF-style: chr12-4912510-A-G. GRCh37 (hg19) VCF-style: chr12-5021676-A-G.
Other names: short protein forms M378V.
Identifiers: ClinVar variation 2823380 (VCV002823380.3), dbSNP rs2497353840, ClinGen allele CA383456114.
Genomic context (GRCh38, chr12:4,912,510, plus strand): 5'-AGTATCCCCGATGCTTTCTGGTGGGCGGTGGTGTCCATGACCACTGTAGGATACGGTGAC[A>G]TGTACCCTGTGACAATTGGAGGCAAGATCGTGGGCTCCTTGTGTGCCATCGCTGGTGTGC-3'
Protein context (NP_000208.2, residues 368-388): VSMTTVGYGD[Met378Val]YPVTIGGKIV

ClinVar aggregate classification (germline): Uncertain significance (1 of 4 stars; one submission).

Conditions:
Episodic ataxia type 1 (EA1). Also called: MYOKYMIA WITH PERIODIC ATAXIA; PAROXYSMAL ATAXIA WITH NEUROMYOTONIA, HEREDITARY; Episodic ataxia/myokymia syndrome; ATAXIA, EPISODIC, WITH MYOKYMIA. Identifiers: Orphanet 37612, Orphanet 972, MedGen C1719788, MONDO:0008047, OMIM 160120.

Submission:

Labcorp Genetics (formerly Invitae), Labcorp
Classification: Uncertain significance for Episodic ataxia type 1. Last evaluated: 2023-01-25. Review status: criteria provided, single submitter. Criteria: Invitae Variant Classification Sherloc (09022015). Collection method: clinical testing. Allele origin: germline.
Comment: This sequence change replaces methionine, which is neutral and non-polar, with valine, which is neutral and non-polar, at codon 378 of the KCNA1 protein (p.Met378Val). This variant is not present in population databases (gnomAD no frequency). This variant has not been reported in the literature in individuals affected with KCNA1-related conditions. Advanced modeling of protein sequence and biophysical properties (such as structural, functional, and spatial information, amino acid conservation, physicochemical variation, residue mobility, and thermodynamic stability) performed at Invitae indicates that this missense variant is not expected to disrupt KCNA1 protein function. In summary, the available evidence is currently insufficient to determine the role of this variant in disease. Therefore, it has been classified as a Variant of Uncertain Significance.